The following is an entry in ClinVar:

ClinVar aggregate classification (germline): Uncertain significance. Review status: criteria provided, multiple submitters, no conflicts (2 of 4 stars). 2 submissions from 2 submitters: Uncertain significance (2). Last evaluated 2025-06-25.

Allele frequency attached by ClinVar (database versions not stated): gnomAD exomes 0.00008; ExAC 0.00024; ESP Exome Variant Server 0.00025; gnomAD 0.00037; TOPMed 0.00051; 1000 Genomes Project 0.00060; 1000 Genomes Project 30x 0.00062.
gnomAD v4.1: 183 of 1,604,398 alleles (0.011%); highest among the groups gnomAD compares: African/African-American, 0.14%; no homozygotes.

Submissions (2):

Labcorp Genetics (formerly Invitae), Labcorp
Classification: Uncertain significance. Last evaluated: 2025-06-25. Review status: criteria provided, single submitter. Criteria: Invitae Variant Classification Sherloc (09022015). Collection method: clinical testing. Allele origin: germline.
Comment: This sequence change replaces threonine, which is neutral and polar, with methionine, which is neutral and non-polar, at codon 257 of the MYH7B protein (p.Thr257Met). This variant is present in population databases (rs200297719, gnomAD 0.09%), and has an allele count higher than expected for a pathogenic variant. This variant has not been reported in the literature in individuals affected with MYH7B-related conditions. ClinVar contains an entry for this variant (Variation ID: 2066952). An algorithm developed to predict the effect of missense changes on protein structure and function (PolyPhen-2) suggests that this variant is likely to be disruptive. In summary, the available evidence is currently insufficient to determine the role of this variant in disease. Therefore, it has been classified as a Variant of Uncertain Significance.

Ambry Genetics
Classification: Uncertain significance. Last evaluated: 2024-07-21. Review status: criteria provided, single submitter. Criteria: Ambry Variant Classification Scheme 2023. Collection method: clinical testing. Allele origin: germline.

NM_020884.7(MYH7B):c.644C>T (p.Thr215Met)

Gene: MYH7B (myosin heavy chain 7B; plus strand). Cytogenetic location: 20q11.22.
Variant type: single nucleotide variant.
Coding change: c.644C>T on transcript NM_020884.7 (MANE Select); coding-DNA position 644, C replaced by T.
Protein change: p.Thr215Met; replaces threonine 215 with methionine.
Molecular consequence: missense variant.
Genome position (GRCh38, 1-based): chr20:34,984,711, C>T. VCF-style: chr20-34984711-C-T. GRCh37 (hg19) VCF-style: chr20-33572514-C-T.
Other names: c.770C>T (NM_020884.3); short protein forms T215M.
Identifiers: ClinVar variation 2066952 (VCV002066952.6), dbSNP rs200297719, ClinGen allele CA9826559.
Genomic context (GRCh38, chr20:34,984,711, plus strand): 5'-GGAGGCCTGGCCCTCTAATGTTGTCTGTCTTCTTCCCCCAGCAATTTCTGGCAACAAAGA[C>T]GGGGGTGAGTATGGGGCCAATGTCAATGGGGCAGCCCTGGGGGTACCCCCTTCCTCTGCA-3'
Protein context (NP_065935.4, residues 205-225): GKKAQFLATK[Thr215Met]GGTLEDQIIE